The following is an entry in ClinVar:

NM_001197104.2(KMT2A):c.3034C>T (p.Gln1012Ter)

Gene: KMT2A (lysine methyltransferase 2A; plus strand). Cytogenetic location: 11q23.3.
Variant type: single nucleotide variant.
Coding change: c.3034C>T on transcript NM_001197104.2 (MANE Select); coding-DNA position 3034, C replaced by T.
Protein change: p.Gln1012Ter; replaces glutamine 1012 with a stop codon.
Molecular consequence: nonsense.
Genome position (GRCh38, 1-based): chr11:118,474,193, C>T. VCF-style: chr11-118474193-C-T. GRCh37 (hg19) VCF-style: chr11-118344908-C-T.
Other names: c.3034C>T, p.Gln1012Ter (NM_005933.4); short protein forms Q1012*.
Identifiers: ClinVar variation 620556 (VCV000620556.2), dbSNP rs1565280934, ClinGen allele CA382819563.

ClinVar aggregate classification (germline): Pathogenic. Review status: criteria provided, multiple submitters, no conflicts (2 of 4 stars). 2 submissions from 2 submitters: Pathogenic (2). Last evaluated 2019-02-06.

Conditions:
Wiedemann-Steiner syndrome (WDSTS). Also called: Growth deficiency and mental retardation with facial dysmorphism. Identifiers: Orphanet 319182, MedGen C1854630, MONDO:0011518, OMIM 605130.

Submissions (2):

GeneDx
Classification: Pathogenic. Last evaluated: 2019-02-06. Review status: criteria provided, single submitter. Criteria: GeneDx Variant Classification (06012015). Collection method: clinical testing. Allele origin: germline. Affected: yes.
Comment: The Q1012X nonsense variant in the KMT2A gene has been previously reported as a de novo change, via exome sequencing, in an individual with developmental disorder (Faundes et al., 2018). The Q1012X variant is predicted to cause loss of normal protein function either through protein truncation or nonsense-mediated mRNA decay. This variant is not observed in large population cohorts (Lek et al., 2016). Therefore, the Q1012X variant is classified as pathogenic.

Illumina Laboratory Services, Illumina
Classification: Pathogenic for Wiedemann-Steiner syndrome. Last evaluated: 2018-05-07. Review status: criteria provided, single submitter. Criteria: ICSLVariantClassificationCriteria RUGD 01 April 2020. Collection method: clinical testing. Allele origin: unknown.
Comment: The KMT2A c.3034C>T p.(Gln1012Ter) nonsense variant is expected to result in the loss of normal protein function through either protein truncation or nonsense-mediated mRNA decay. This variant has been identified in a de novo state in an individual with a phenotype consistent with Wiedemann-Steiner syndrome (Faundes et al. 2018). This variant is not observed in version 2.1.1 of the Genome Aggregation Database. Based on the available evidence, the c.3034C>T p.(Gln1012Ter) variant is classified as pathogenic for Wiedemann-Steiner syndrome.